The following is an entry in ClinVar:

ClinVar aggregate classification (germline): Uncertain significance (1 of 4 stars; one submission).

Conditions:
Developmental and epileptic encephalopathy, 34 (DEE34). Also called: Early infantile epileptic encephalopathy 34; SLC12A5-Related Epilepsy of Infancy with Migrating Focal Seizures. Identifiers: Orphanet 293181, MedGen C4225257, MONDO:0014718, OMIM 616645.

Allele frequency attached by ClinVar (database versions not stated): gnomAD 0.00001.
gnomAD v4.1: 1 of 1,614,090 alleles (0.000062%); no homozygotes.

Submission:

Labcorp Genetics (formerly Invitae), Labcorp
Classification: Uncertain significance for Developmental and epileptic encephalopathy, 34. Last evaluated: 2018-12-19. Review status: criteria provided, single submitter. Criteria: Invitae Variant Classification Sherloc (09022015). Collection method: clinical testing. Allele origin: germline.
Comment: In summary, the available evidence is currently insufficient to determine the role of this variant in disease. Therefore, it has been classified as a Variant of Uncertain Significance. Algorithms developed to predict the effect of missense changes on protein structure and function (SIFT, PolyPhen-2, Align-GVGD) all suggest that this variant is likely to be tolerated, but these predictions have not been confirmed by published functional studies and their clinical significance is uncertain. This variant has not been reported in the literature in individuals with SLC12A5-related conditions. This variant is not present in population databases (ExAC no frequency). This sequence change replaces valine with isoleucine at codon 445 of the SLC12A5 protein (p.Val445Ile). The valine residue is moderately conserved and there is a small physicochemical difference between valine and isoleucine.

NM_020708.5(SLC12A5):c.1333G>A (p.Val445Ile)

Gene: SLC12A5 (solute carrier family 12 member 5; plus strand). Cytogenetic location: 20q13.12.
Variant type: single nucleotide variant.
Coding change: c.1333G>A on transcript NM_020708.5 (MANE Select); coding-DNA position 1333, G replaced by A.
Protein change: p.Val445Ile; replaces valine 445 with isoleucine.
Molecular consequence: missense variant.
Genome position (GRCh38, 1-based): chr20:46,043,728, G>A. VCF-style: chr20-46043728-G-A. GRCh37 (hg19) VCF-style: chr20-44672367-G-A.
Other names: c.1402G>A, p.Val468Ile (NM_001134771.2); short protein forms V445I, V468I.
Identifiers: ClinVar variation 644084 (VCV000644084.9), dbSNP rs1600597599, ClinGen allele CA409193157.